The following is an entry in ClinVar:

NM_000038.6(APC):c.4183_4187del (p.Asp1394_Ser1395insTer)

Gene: APC (APC regulator of Wnt signaling pathway; plus strand). Cytogenetic location: 5q22.2.
Variant type: Deletion.
Coding change: c.4183_4187del on transcript NM_000038.6 (MANE Select); coding-DNA positions 4183 to 4187, 5 bases deleted (AGTTT; older notation c.4183_4187delAGTTT).
Protein change: p.Asp1394_Ser1395insTer.
Molecular consequence: nonsense. On other transcripts: non-coding transcript variant (2).
Genome position (GRCh38, 1-based): chr5:112,839,777-112,839,781, AGTTT deleted; deleting any 5 consecutive bases within chr5:112,839,776-112,839,781 gives the same sequence; the c. name uses the placement nearest the transcript's 3' end. VCF-style (leftmost placement, unchanged base first): chr5-112839775-ATAGTT-A. GRCh37 (hg19) VCF-style: chr5-112175472-ATAGTT-A.
Other names: c.4183_4187del, p.Asp1394_Ser1395insTer (NM_001127510.3, NM_001354895.2, NM_001407450.1); c.4129_4133del, p.Asp1376_Ser1377insTer (NM_001127511.3); c.4237_4241del, p.Asp1412_Ser1413insTer (NM_001354896.2, NM_001407447.1, NM_001407448.1 and 1 more transcripts); c.4213_4217del, p.Asp1404_Ser1405insTer (NM_001354897.2); c.4108_4112del, p.Asp1369_Ser1370insTer (NM_001354898.2); c.4099_4103del, p.Asp1366_Ser1367insTer (NM_001354899.2); c.4060_4064del, p.Asp1353_Ser1354insTer (NM_001354900.2); c.4006_4010del, p.Asp1335_Ser1336insTer (NM_001354901.2, NM_001407453.1); and 11 more.
Identifiers: ClinVar variation 2583707 (VCV002583707.2), dbSNP rs2533555090, ClinGen allele CA2582341563.

ClinVar aggregate classification (germline): Pathogenic (1 of 4 stars; one submission).

Conditions:
Familial adenomatous polyposis 1 (FAP1). Also called: POLYPOSIS, ADENOMATOUS INTESTINAL; FAMILIAL ADENOMATOUS POLYPOSIS 1, ATTENUATED. Identifiers: MedGen C2713442, MONDO:0021056, OMIM 175100. Disease mechanism: loss of function.

Submission:

Myriad Genetics, Inc.
Classification: Pathogenic for Familial adenomatous polyposis 1. Last evaluated: 2023-05-10. Review status: criteria provided, single submitter. Criteria: Myriad Autosomal Dominant, Autosomal Recessive and X-Linked Classification Criteria (2023). Collection method: clinical testing. Allele origin: unknown.
Comment: This variant is considered pathogenic. This variant creates a termination codon and is predicted to result in premature protein truncation.